The following is an entry in ClinVar:

ClinVar aggregate classification (germline): Pathogenic/Likely pathogenic. Review status: criteria provided, multiple submitters, no conflicts (2 of 4 stars). 3 submissions from 3 submitters: Pathogenic (1); Likely pathogenic (2). Last evaluated 2025-05-01.

Conditions:
Meckel-Gruber syndrome. Also called: Dysencephalia splachnocystica; DYSENCEPHALIA SPLANCHNOCYSTICA; GRUBER SYNDROME. Identifiers: Orphanet 564, MedGen C0265215, MONDO:0018921.
Nephronophthisis. Also called: Juvenile Nephronophthisis. Identifiers: Orphanet 655, MedGen C0687120, MONDO:0019005, HP:0000090.
Joubert syndrome. Also called: Familial aplasia of the vermis; CEREBELLOPARENCHYMAL DISORDER IV; JOUBERT-BOLTSHAUSER SYNDROME. Identifiers: Orphanet 475, MedGen C5979921, MONDO:0018772.
Bardet-Biedl syndrome 14 (BBS14). Identifiers: Orphanet 110, MedGen C2673874, MONDO:0014442, OMIM 615991.
Leber congenital amaurosis (LCA). Also called: Leber's amaurosis. Identifiers: Orphanet 65, MedGen C0339527, MeSH D057130, MONDO:0018998.

Submissions (3):

Natera, Inc.
Classification: Likely pathogenic for Leber congenital amaurosis. Last evaluated: 2025-05-01. Review status: criteria provided, single submitter. Criteria: Natera Variant Classification Schema (03/2026). Collection method: clinical testing. Allele origin: germline.
Comment: The c.3783del variant in CEP290 is a frameshift variant predicted to shift the reading frame beginning at codon 1261 and leads to a stop codon 30 codons downstream. This variant is expected to result in nonsense mediated decay, truncation, or a dysfunctional protein product. This variant is rare in the general population with a frequency below the threshold expected for the associated phenotype(s). Given the available evidence, this variant is classified as Likely Pathogenic.

Baylor Genetics
Classification: Likely pathogenic for Bardet-Biedl syndrome 14. Last evaluated: 2022-01-31. Review status: criteria provided, single submitter. Criteria: ACMG Guidelines, 2015. Collection method: clinical testing. Allele origin: unknown.

Labcorp Genetics (formerly Invitae), Labcorp
Classification: Pathogenic for Joubert syndrome; Meckel-Gruber syndrome; Nephronophthisis. Last evaluated: 2019-09-12. Review status: criteria provided, single submitter. Criteria: Invitae Variant Classification Sherloc (09022015). Collection method: clinical testing. Allele origin: germline.
Comment: This sequence change creates a premature translational stop signal (p.Lys1261Asnfs*30) in the CEP290 gene. It is expected to result in an absent or disrupted protein product. This variant has not been reported in the literature in individuals with CEP290-related conditions. This variant is not present in population databases (ExAC no frequency). For these reasons, this variant has been classified as Pathogenic. Loss-of-function variants in CEP290 are known to be pathogenic (PMID: 16909394, 17345604, 20690115, 25377065, 28559085).

Literature cited by the submitters: PubMed 16909394 (cited by Labcorp Genetics (formerly Invitae), Labcorp); PubMed 17345604 (cited by Labcorp Genetics (formerly Invitae), Labcorp); PubMed 20690115 (cited by Labcorp Genetics (formerly Invitae), Labcorp); PubMed 25377065 (cited by Labcorp Genetics (formerly Invitae), Labcorp); PubMed 28559085 (cited by Labcorp Genetics (formerly Invitae), Labcorp).

NM_025114.4(CEP290):c.3783del (p.Lys1261fs)

Gene: CEP290 (centrosomal protein 290; minus strand). Cytogenetic location: 12q21.32.
Variant type: Deletion.
Coding change: c.3783del on transcript NM_025114.4 (MANE Select); coding-DNA position 3783, one base deleted (A; older notation c.3783delA).
Protein change: p.Lys1261fs; shifts the reading frame from lysine 1261.
Molecular consequence: frameshift variant.
Genome position (GRCh38, 1-based): chr12:88,089,278, T deleted on the plus strand (A on the coding strand, the reverse complement: CEP290 is on the minus strand); the first of 4 consecutive T bases (chr12:88,089,278-88,089,281); deleting any one gives the same sequence. VCF-style (leftmost placement, unchanged base first): chr12-88089277-GT-G. GRCh37 (hg19) VCF-style: chr12-88483054-GT-G.
Other names: short protein forms K1261fs.
Identifiers: ClinVar variation 961965 (VCV000961965.10), dbSNP rs2036833257, ClinGen allele CA1139662801.